The following is an entry in ClinVar:

ClinVar aggregate classification (germline): Pathogenic (1 of 4 stars; one submission).

Submission:

Quest Diagnostics Nichols Institute San Juan Capistrano
Classification: Pathogenic. Last evaluated: 2023-02-06. Review status: criteria provided, single submitter. Criteria: Quest Diagnostics criteria. Collection method: clinical testing. Allele origin: unknown.
Comment: This frameshift variant alters the translational reading frame of the FLCN mRNA and causes the premature termination of FLCN protein synthesis. This variant has not been reported in large, multi-ethnic general populations. In the published literature, the variant has been reported in an individual with Birt-Hogg-Dube (BHD) syndrome (PMID: 28558743 (2017)). Based on the available information, this variant is classified as pathogenic.

Literature cited by the submitters: PubMed 28558743.

NM_144997.7(FLCN):c.933del (p.Val312fs)

Gene: FLCN (folliculin; minus strand). Cytogenetic location: 17p11.2.
Variant type: Deletion.
Coding change: c.933del on transcript NM_144997.7 (MANE Select); coding-DNA position 933, one base deleted (T; older notation c.933delT).
Protein change: p.Val312fs; shifts the reading frame from valine 312.
Molecular consequence: frameshift variant.
Genome position (GRCh38, 1-based): chr17:17,219,148, A deleted on the plus strand (T on the coding strand, the reverse complement: FLCN is on the minus strand). VCF-style (leftmost placement, unchanged base first): chr17-17219147-CA-C. GRCh37 (hg19) VCF-style: chr17-17122461-CA-C.
Other names: c.987del, p.Val330fs (NM_001353229.2); c.933del, p.Val312fs (NM_001353230.2, NM_001353231.2); c.933del (NM_144997.6); short protein forms V312fs, V330fs.
Identifiers: ClinVar variation 2681948 (VCV002681948.1), dbSNP rs1555608611, ClinGen allele CA10602691.
Genomic context (GRCh38, chr17:17,219,147, plus strand): 5'-GAGAGGAGGACTCTGCCGGGCCCTGGGTCAGCTCCCGCCCTTCTGTACTCTCTGGCAACA[CA>C]GGGGCTTTCTCCTCCTCTTCAGCCTCAGAGTTGTCCCAGCTTTCTGATTCCTCTTCTAAA-3'